The following is an entry in ClinVar:

ClinVar aggregate classification (germline): Uncertain significance. Review status: criteria provided, multiple submitters, no conflicts (2 of 4 stars). 2 submissions from 2 submitters: Uncertain significance (2). Last evaluated 2023-09-10.

Conditions:
Brugada syndrome 5 (BRGDA5). Identifiers: Orphanet 130, Orphanet 871, MedGen C2748541, MONDO:0013015, OMIM 612838.

Submissions (2):

Labcorp Genetics (formerly Invitae), Labcorp
Classification: Uncertain significance for Brugada syndrome 5. Last evaluated: 2023-09-10. Review status: criteria provided, single submitter. Criteria: Invitae Variant Classification Sherloc (09022015). Collection method: clinical testing. Allele origin: germline.
Comment: This sequence change replaces valine, which is neutral and non-polar, with leucine, which is neutral and non-polar, at codon 8 of the SCN1B protein (p.Val8Leu). In summary, the available evidence is currently insufficient to determine the role of this variant in disease. Therefore, it has been classified as a Variant of Uncertain Significance. Algorithms developed to predict the effect of missense changes on protein structure and function output the following: SIFT: "Not Available"; PolyPhen-2: "Not Available"; Align-GVGD: "Not Available". The leucine amino acid residue is found in multiple mammalian species, which suggests that this missense change does not adversely affect protein function. ClinVar contains an entry for this variant (Variation ID: 190867). This variant has not been reported in the literature in individuals affected with SCN1B-related conditions. This variant is not present in population databases (gnomAD no frequency).

GeneDx
Classification: Uncertain significance. Last evaluated: 2016-12-06. Review status: criteria provided, single submitter. Criteria: GeneDx Variant Classification (06012015). Collection method: clinical testing. Allele origin: germline. Affected: yes.
Comment: p.Val8Leu (GTG>CTG): c.22 G>C in exon 1 of the SCN1B gene (NM_001037.3). The Val8Leu variant in the SCN1B gene has not been published as a disease-causing mutation or as a benign polymorphism to our knowledge. Val8Leu results in a conservative amino acid substitution of one non-polar amino acid for another at a position that is not well conserved across species, however there were few regions of homology in inter-species alignment. In silico analysis predicts that Val8Leu is benign. In addition, there are no nearby mutations in this region of the SCN1B gene. However, the NHLBI ESP Exome Variant Server reports Val8Leu was not observed in approximately 1000 samples from individuals of European and African American backgrounds, indicating it is not a common benign variant in these populations. With the clinical and molecular information available at this time, we cannot definitively determine if Val8Leu is a disease-causing mutation or a rare benign variant. Brugada syndrome is most frequently caused by mutations in the genes encoding cardiac ion channel proteins, which regulate sodium and calcium movement in and out of cardiac cells (Fowler S et al., 2008; Hedley P et al., 2009). Although rare, mutations SCN1B have been reported previously in association with Brugada syndrome (Watanabe H et al., 2008). The variant is found in BRUGADA panel(s).

NM_001037.5(SCN1B):c.22G>C (p.Val8Leu)

Gene: SCN1B (sodium voltage-gated channel beta subunit 1; plus strand). Cytogenetic location: 19q13.11.
Variant type: single nucleotide variant.
Coding change: c.22G>C on transcript NM_001037.5 (MANE Select); coding-DNA position 22, G replaced by C.
Protein change: p.Val8Leu; replaces valine 8 with leucine.
Molecular consequence: missense variant.
Genome position (GRCh38, 1-based): chr19:35,030,842, G>C. VCF-style: chr19-35030842-G-C. GRCh37 (hg19) VCF-style: chr19-35521746-G-C.
Other names: p.V8L:GTG>CTG; c.22G>C, p.Val8Leu (NM_199037.5); short protein forms V8L.
Identifiers: ClinVar variation 190867 (VCV000190867.5), dbSNP rs786205832, ClinGen allele CA302169.